The following is an entry in ClinVar:

NM_032444.4(SLX4):c.4601G>A (p.Gly1534Asp)

Gene: SLX4 (SLX4 structure-specific endonuclease subunit; minus strand). Cytogenetic location: 16p13.3.
Variant type: single nucleotide variant.
Coding change: c.4601G>A on transcript NM_032444.4 (MANE Select); coding-DNA position 4601, G replaced by A.
Protein change: p.Gly1534Asp; replaces glycine 1534 with aspartic acid.
Molecular consequence: missense variant.
Genome position (GRCh38, 1-based): chr16:3,589,037, C>T on the plus strand (G>A on the coding strand, the complement: SLX4 is on the minus strand). VCF-style: chr16-3589037-C-T. GRCh37 (hg19) VCF-style: chr16-3639038-C-T.
Other names: short protein forms G1534D.
Identifiers: ClinVar variation 837124 (VCV000837124.11), dbSNP rs753047651, ClinGen allele CA394516802.

ClinVar aggregate classification (germline): Uncertain significance (1 of 4 stars; one submission).

Conditions:
Fanconi anemia (FA). Also called: Fanconi's anemia. Identifiers: Orphanet 84, MedGen C0015625, MeSH D005199, MONDO:0019391.

Submission:

Labcorp Genetics (formerly Invitae), Labcorp
Classification: Uncertain significance for Fanconi anemia. Last evaluated: 2024-04-05. Review status: criteria provided, single submitter. Criteria: Invitae Variant Classification Sherloc (09022015). Collection method: clinical testing. Allele origin: germline.
Comment: This sequence change replaces glycine, which is neutral and non-polar, with aspartic acid, which is acidic and polar, at codon 1534 of the SLX4 protein (p.Gly1534Asp). This variant is not present in population databases (gnomAD no frequency). This variant has not been reported in the literature in individuals affected with SLX4-related conditions. ClinVar contains an entry for this variant (Variation ID: 837124). Algorithms developed to predict the effect of missense changes on protein structure and function output the following: SIFT: "Not Available"; PolyPhen-2: "Benign"; Align-GVGD: "Not Available". The aspartic acid amino acid residue is found in multiple mammalian species, which suggests that this missense change does not adversely affect protein function. In summary, the available evidence is currently insufficient to determine the role of this variant in disease. Therefore, it has been classified as a Variant of Uncertain Significance.